The following is an entry in ClinVar:

ClinVar aggregate classification (germline): Pathogenic/Likely pathogenic. Review status: criteria provided, multiple submitters, no conflicts (2 of 4 stars). 2 submissions from 2 submitters: Pathogenic (1); Likely pathogenic (1). Last evaluated 2026-06-26.

Conditions:
Sotos syndrome (SOTOS). Also called: CEREBRAL GIGANTISM; Sotos' syndrome; Distinctive facial appearance, overgrowth in childhood, and learning disabilities or delayed development; SOTOS SYNDROME 1; CHROMOSOME 5q35 DELETION SYNDROME. Identifiers: Orphanet 821, MedGen C0175695, MONDO:0019349, OMIM 117550.

Submissions (2):

Women's Health and Genetics/Laboratory Corporation of America, LabCorp
Classification: Pathogenic for Sotos syndrome. Last evaluated: 2026-06-26. Review status: criteria provided, single submitter. Criteria: LabCorp Variant Classification Summary - May 2015. Collection method: clinical testing. Allele origin: germline.
Comment: Variant summary: NSD1 c.1583delA (p.Lys528ArgfsX8) results in a premature termination codon, predicted to cause a truncation of the encoded protein or absence of the protein due to nonsense mediated decay, which are commonly known mechanisms for disease. Loss-of-function variants in this gene are known to be pathogenic. The variant was absent in 250094 control chromosomes. c.1583delA has been observed as a de novo change in at least one individual affected with NSD1-related Sotos syndrome (Choufani_2015). To our knowledge, no experimental evidence demonstrating an impact on protein function has been reported. The following publications have been ascertained in the context of this evaluation (PMID: 32109418, 26690673). ClinVar contains an entry for this variant (Variation ID: 3242036). Based on the evidence outlined above, the variant was classified as pathogenic.

Neuberg Centre For Genomic Medicine, NCGM
Classification: Likely pathogenic for Sotos syndrome. Review status: criteria provided, single submitter. Criteria: ACMG Guidelines, 2015. Collection method: clinical testing. Allele origin: germline. Inheritance: Autosomal dominant inheritance. Affected: yes.
Comment: The frameshift c.1583del (p.Lys528ArgfsTer8) variant c.165dup (p.Arg56GlnfsTer6) in the NSD1 gene has not been reported previously as a pathogenic variant nor as a benign variant, to our knowledge. The variant is absent in gnomAD Exomes and 1000 Genomes. This variant causes a frameshift starting with codon Lysine 528, changes this amino acid to Arginine residue, and creates a premature Stop codon at position 8 of the new reading frame, denoted p.Lys528ArgfsTer8. This variant is predicted to cause loss of normal protein function through protein truncation. Loss of function variants have been previously reported to be disease causing. For these reasons, this variant has been classified as Likely Pathogenic.

Literature cited by the submitters: PubMed 32109418 (cited by Women's Health and Genetics/Laboratory Corporation of America, LabCorp); PubMed 26690673 (cited by Women's Health and Genetics/Laboratory Corporation of America, LabCorp).

NM_022455.5(NSD1):c.1583del (p.Lys528fs)

Gene: NSD1 (nuclear receptor binding SET domain protein 1; plus strand). Cytogenetic location: 5q35.3.
Variant type: Deletion.
Coding change: c.1583del on transcript NM_022455.5 (MANE Select); coding-DNA position 1583, one base deleted (A; older notation c.1583delA).
Protein change: p.Lys528fs; shifts the reading frame from lysine 528.
Molecular consequence: frameshift variant.
Genome position (GRCh38, 1-based): chr5:177,209,982, A deleted; the last of 3 consecutive A bases (chr5:177,209,980-177,209,982); deleting any one gives the same sequence. VCF-style (leftmost placement, unchanged base first): chr5-177209979-GA-G. GRCh37 (hg19) VCF-style: chr5-176636980-GA-G.
Other names: c.1583delA (NM_022455.5); c.710del, p.Lys237fs (NM_001365684.2, NM_001409306.1, NM_001409307.1 and 3 more transcripts); c.1583del, p.Lys528fs (NM_001409301.1, NM_001409302.1, NM_001409303.1); c.1163del, p.Lys388fs (NM_001409304.1); c.830del, p.Lys277fs (NM_001409305.1); short protein forms K237fs, K277fs, K388fs, K528fs.
Identifiers: ClinVar variation 3242036 (VCV003242036.2), dbSNP rs2480445417.